The following is an entry in ClinVar:

NM_000535.7(PMS2):c.1481C>A (p.Ser494Ter)

Gene: PMS2 (PMS1 homolog 2, mismatch repair system component; minus strand). Cytogenetic location: 7p22.1.
Variant type: single nucleotide variant.
Coding change: c.1481C>A on transcript NM_000535.7 (MANE Select); coding-DNA position 1481, C replaced by A.
Protein change: p.Ser494Ter; replaces serine 494 with a stop codon.
Molecular consequence: nonsense. On other transcripts: non-coding transcript variant (1).
Genome position (GRCh38, 1-based): chr7:5,987,284, G>T on the plus strand (C>A on the coding strand, the complement: PMS2 is on the minus strand). VCF-style: chr7-5987284-G-T. GRCh37 (hg19) VCF-style: chr7-6026915-G-T.
Other names: c.1076C>A, p.Ser359Ter (NM_001322003.2, NM_001322004.2, NM_001322005.2 and 1 more transcripts); c.1325C>A, p.Ser442Ter (NM_001322006.2); c.1163C>A, p.Ser388Ter (NM_001322007.2, NM_001322008.2); c.920C>A, p.Ser307Ter (NM_001322010.2); c.548C>A, p.Ser183Ter (NM_001322011.2, NM_001322012.2); c.908C>A, p.Ser303Ter (NM_001322013.2); c.1481C>A, p.Ser494Ter (NM_001322014.2); c.1172C>A, p.Ser391Ter (NM_001322015.2); short protein forms S494*, S359*, S388*, S391*, S183*, S307*, S303*, S442*.
Identifiers: ClinVar variation 579525 (VCV000579525.6), dbSNP rs587782602, ClinGen allele CA366741828.
Genomic context (GRCh38, chr7:5,987,284, plus strand): 5'-TGACTGCCCGTGTCTGGGATGCTGAACCCCTCAGAATCCACGGAAGTGCTGCCGTGCCCC[G>T]AGTCCTTCTCCACCTCCGCTCTGTCCGTAGGGTCACTGGGTCCGTGACTGGAACTCACTG-3'

ClinVar aggregate classification (germline): Pathogenic (1 of 4 stars; one submission).

Conditions:
Hereditary nonpolyposis colorectal neoplasms. Identifiers: MedGen C0009405, MeSH D003123.

Submission:

Labcorp Genetics (formerly Invitae), Labcorp
Classification: Pathogenic for Hereditary nonpolyposis colorectal neoplasms. Last evaluated: 2025-12-01. Review status: criteria provided, single submitter. Criteria: Invitae Variant Classification Sherloc (09022015). Collection method: clinical testing. Allele origin: germline.
Comment: This sequence change creates a premature translational stop signal (p.Ser494*) in the PMS2 gene. It is expected to result in an absent or disrupted protein product. Loss-of-function variants in PMS2 are known to be pathogenic (PMID: 21376568, 24362816). This variant is not present in population databases (gnomAD no frequency). This variant has not been reported in the literature in individuals affected with PMS2-related conditions. ClinVar contains an entry for this variant (Variation ID: 579525). For these reasons, this variant has been classified as Pathogenic.

Literature cited by the submitters: PubMed 21376568; PubMed 24362816.